The following is an entry in ClinVar:

NM_018699.4(PRDM5):c.1282+1G>C

Gene: PRDM5 (PR/SET domain 5; minus strand). Cytogenetic location: 4q27.
Variant type: single nucleotide variant.
Coding change: c.1282+1G>C on transcript NM_018699.4 (MANE Select); the canonical splice donor site of the intron after coding-DNA position 1282, G replaced by C.
Molecular consequence: splice donor variant.
Genome position (GRCh38, 1-based): chr4:120,784,997, C>G on the plus strand (G>C on the coding strand, the complement: PRDM5 is on the minus strand). VCF-style: chr4-120784997-C-G. GRCh37 (hg19) VCF-style: chr4-121706152-C-G.
Other names: c.1189+1G>C (NM_001300824.2, NM_001379106.1, NM_001300823.2); c.1315+1G>C (NM_001379104.1).
Identifiers: ClinVar variation 2754408 (VCV002754408.3), dbSNP rs1272853346, ClinGen allele CA358209293.
Genomic context (GRCh38, chr4:120,784,997, plus strand): 5'-GTTATAAAAACAAAGTATGAGATAATTCCTTATATTCTCAACTGCCTGAATCGTGACTTA[C>G]TGTTATGTATTAGCAGGTGTCTCTGTAAAGAAAATGGGGTCCGGAACAAAGCTTTACATT-3'

ClinVar aggregate classification (germline): Likely pathogenic (1 of 4 stars; one submission).

gnomAD v4.1: 1 of 1,584,416 alleles (0.000063%); highest among the groups gnomAD compares: South Asian, 0.0011%; no homozygotes.

Submission:

Labcorp Genetics (formerly Invitae), Labcorp
Classification: Likely pathogenic. Last evaluated: 2023-08-22. Review status: criteria provided, single submitter. Criteria: Invitae Variant Classification Sherloc (09022015). Collection method: clinical testing. Allele origin: germline.
Comment: In summary, the currently available evidence indicates that the variant is pathogenic, but additional data are needed to prove that conclusively. Therefore, this variant has been classified as Likely Pathogenic. Algorithms developed to predict the effect of sequence changes on RNA splicing suggest that this variant may disrupt the consensus splice site. This variant has not been reported in the literature in individuals affected with PRDM5-related conditions. This variant is present in population databases (no rsID available, gnomAD 0.003%). This sequence change affects a donor splice site in intron 11 of the PRDM5 gene. It is expected to disrupt RNA splicing. Variants that disrupt the donor or acceptor splice site typically lead to a loss of protein function (PMID: 16199547), and loss-of-function variants in PRDM5 are known to be pathogenic (PMID: 21664999, 26395458).

Literature cited by the submitters: PubMed 16199547; PubMed 21664999; PubMed 26395458.